The following is an entry in ClinVar:

ClinVar aggregate classification (germline): Uncertain significance (1 of 4 stars; one submission).

gnomAD v4.1: 3 of 1,613,970 alleles (0.00019%); highest among the groups gnomAD compares: Admixed American, 0.005%; no homozygotes.

Submission:

Labcorp Genetics (formerly Invitae), Labcorp
Classification: Uncertain significance. Last evaluated: 2024-05-02. Review status: criteria provided, single submitter. Criteria: Invitae Variant Classification Sherloc (09022015). Collection method: clinical testing. Allele origin: germline.
Comment: This sequence change replaces glycine, which is neutral and non-polar, with serine, which is neutral and polar, at codon 1283 of the C5 protein (p.Gly1283Ser). This variant is present in population databases (rs780626072, gnomAD 0.009%). This variant has not been reported in the literature in individuals affected with C5-related conditions. Advanced modeling of protein sequence and biophysical properties (such as structural, functional, and spatial information, amino acid conservation, physicochemical variation, residue mobility, and thermodynamic stability) performed at Invitae indicates that this missense variant is not expected to disrupt C5 protein function with a negative predictive value of 80%. In summary, the available evidence is currently insufficient to determine the role of this variant in disease. Therefore, it has been classified as a Variant of Uncertain Significance.

NM_001735.3(C5):c.3847G>A (p.Gly1283Ser)

Gene: C5 (complement C5; minus strand). Cytogenetic location: 9q33.2.
Variant type: single nucleotide variant.
Coding change: c.3847G>A on transcript NM_001735.3 (MANE Select); coding-DNA position 3847, G replaced by A.
Protein change: p.Gly1283Ser; replaces glycine 1283 with serine.
Molecular consequence: missense variant.
Genome position (GRCh38, 1-based): chr9:120,976,717, C>T on the plus strand (G>A on the coding strand, the complement: C5 is on the minus strand). VCF-style: chr9-120976717-C-T. GRCh37 (hg19) VCF-style: chr9-123738995-C-T.
Other names: c.3865G>A, p.Gly1289Ser (NM_001317163.2); short protein forms G1283S, G1289S.
Identifiers: ClinVar variation 3617663 (VCV003617663.2).